The following is an entry in ClinVar:

NM_000152.5(GAA):c.2345_2346insA (p.Leu783fs)

Gene: GAA (alpha glucosidase; plus strand). Cytogenetic location: 17q25.3.
Variant type: Insertion.
Coding change: c.2345_2346insA on transcript NM_000152.5 (MANE Select); coding-DNA positions 2345 to 2346, A inserted.
Protein change: p.Leu783fs; shifts the reading frame from leucine 783.
Molecular consequence: frameshift variant.
Genome position: GRCh38 VCF-style: chr17-80117613-C-CA. GRCh37 (hg19) VCF-style: chr17-78091412-C-CA.
Other names: c.2345_2346insA, p.Leu783fs (NM_001079803.3, NM_001079804.3); c.2345_2346insA, p.Leu783Profs (NM_001406741.1, NM_001406742.1); short protein forms L783fs.
Identifiers: ClinVar variation 1726817 (VCV001726817.2), dbSNP rs2510398841, ClinGen allele CA2580095278.

ClinVar aggregate classification (germline): Likely pathogenic (1 of 4 stars; one submission).

Conditions:
Glycogen storage disease, type II (IOPD). Also called: POMPE DISEASE, INFANTILE-ONSET; GLYCOGEN STORAGE DISEASE II, INFANTILE-ONSET; ACID ALPHA-GLUCOSIDASE DEFICIENCY, INFANTILE-ONSET; GAA DEFICIENCY, INFANTILE-ONSET; ACID MALTASE DEFICIENCY, INFANTILE-ONSET; CARDIOMEGALIA GLYCOGENICA DIFFUSA. Identifiers: Orphanet 365, MedGen C0017921, MONDO:0009290, OMIM 232300.

Submission:

Myriad Genetics, Inc.
Classification: Likely pathogenic for Glycogen storage disease, type II. Last evaluated: 2022-01-02. Review status: criteria provided, single submitter. Criteria: Myriad Women's Health Autosomal Recessive and X-Linked Classification Criteria (2021). Collection method: clinical testing. Allele origin: unknown.
Comment: NM_000152.3(GAA):c.2345_2346insA(L783Pfs*13) is expected to be pathogenic in the context of Pompe disease. This variant is predicted to lead to an abnormal or absent protein product due to the creation of a premature termination codon in GAA, a gene where loss-of-function variants are known to be pathogenic. Please note: this variant was assessed in the context of healthy population screening.